The following is an entry in ClinVar:

NM_016553.5(NUP62):c.249G>T (p.Ser83=)

Genes: IL4I1 (interleukin 4 induced 1; minus strand), NUP62 (nucleoporin 62; minus strand). Cytogenetic location: 19q13.33.
Variant type: single nucleotide variant.
Coding change: c.249G>T on transcript NM_016553.5 (MANE Select); coding-DNA position 249, G replaced by T.
Protein change: p.Ser83=; no amino-acid change (serine 83 retained).
Molecular consequence: synonymous variant. On other transcripts: intron variant (3).
Genome position (GRCh38, 1-based): chr19:49,909,559, C>A on the plus strand (G>T on the coding strand, the complement: NUP62 is on the minus strand). VCF-style: chr19-49909559-C-A. GRCh37 (hg19) VCF-style: chr19-50412816-C-A.
Other names: c.249G>T, p.Ser83= (NM_001193357.2, NM_012346.5, NM_153718.4 and 1 more transcripts); c.-227-5238G>T (NM_001258017.2, NM_172374.3); c.-285-5238G>T (NM_001258018.2).
Identifiers: ClinVar variation 2650292 (VCV002650292.22), dbSNP rs780658950, ClinGen allele CA508299307.

ClinVar aggregate classification (germline): Likely benign (1 of 4 stars; one submission).

Submission:

CeGaT Center for Human Genetics Tuebingen
Classification: Likely benign. Last evaluated: 2023-07-01. Review status: criteria provided, single submitter. Criteria: CeGaT Center For Human Genetics Tuebingen Variant Classification Criteria Version 2. Collection method: clinical testing. Allele origin: germline. Affected: yes. Observed: 1 variant allele.
Comment: NUP62: PM2:Supporting, BP4, BP7